The following is an entry in ClinVar:

NM_152296.5(ATP1A3):c.603C>T (p.Cys201=)

Gene: ATP1A3 (ATPase Na+/K+ transporting subunit alpha 3; minus strand). Cytogenetic location: 19q13.2.
Variant type: single nucleotide variant.
Coding change: c.603C>T on transcript NM_152296.5 (MANE Select); coding-DNA position 603, C replaced by T.
Protein change: p.Cys201=; no amino-acid change (cysteine 201 retained).
Molecular consequence: synonymous variant.
Genome position (GRCh38, 1-based): chr19:41,985,867, G>A on the plus strand (C>T on the coding strand, the complement: ATP1A3 is on the minus strand). VCF-style: chr19-41985867-G-A. GRCh37 (hg19) VCF-style: chr19-42490019-G-A.
Other names: c.636C>T, p.Cys212= (NM_001256213.2); c.642C>T, p.Cys214= (NM_001256214.2).
Identifiers: ClinVar variation 1803306 (VCV001803306.1), dbSNP rs2514078618, ClinGen allele CA507695204.

ClinVar aggregate classification (germline): Uncertain significance (1 of 4 stars; one submission).

Submission:

GeneDx
Classification: Uncertain significance. Last evaluated: 2022-06-06. Review status: criteria provided, single submitter. Criteria: GeneDx Variant Classification Process June 2021. Collection method: clinical testing. Allele origin: germline. Affected: yes.
Comment: Not observed at significant frequency in large population cohorts (gnomAD); In silico analysis supports a deleterious effect on splicing; Has not been previously published as pathogenic or benign to our knowledge